The following is an entry in ClinVar:

ClinVar aggregate classification (germline): Uncertain significance (1 of 4 stars; one submission).

Submission:

Labcorp Genetics (formerly Invitae), Labcorp
Classification: Uncertain significance. Last evaluated: 2023-09-19. Review status: criteria provided, single submitter. Criteria: Invitae Variant Classification Sherloc (09022015). Collection method: clinical testing. Allele origin: germline.
Comment: In summary, the available evidence is currently insufficient to determine the role of this variant in disease. Therefore, it has been classified as a Variant of Uncertain Significance. This variant has not been reported in the literature in individuals affected with PLA2G4A-related conditions. This variant is not present in population databases (gnomAD no frequency). This sequence change creates a premature translational stop signal (p.Ala462Glnfs*7) in the PLA2G4A gene. It is expected to result in an absent or disrupted protein product. However, the current clinical and genetic evidence is not sufficient to establish whether loss-of-function variants in PLA2G4A cause disease.

NM_024420.3(PLA2G4A):c.1383del (p.Ala462fs)

Gene: PLA2G4A (phospholipase A2 group IVA; plus strand). Cytogenetic location: 1q31.1.
Variant type: Deletion.
Coding change: c.1383del on transcript NM_024420.3 (MANE Select); coding-DNA position 1383, one base deleted (A; older notation c.1383delA).
Protein change: p.Ala462fs; shifts the reading frame from alanine 462.
Molecular consequence: frameshift variant.
Genome position (GRCh38, 1-based): chr1:186,956,148, A deleted; the last of 2 consecutive A bases (chr1:186,956,147-186,956,148); deleting either gives the same sequence. VCF-style (leftmost placement, unchanged base first): chr1-186956146-CA-C. GRCh37 (hg19) VCF-style: chr1-186925278-CA-C.
Other names: c.1203del, p.Ala402fs (NM_001311193.2); short protein forms A402fs, A462fs.
Identifiers: ClinVar variation 2760460 (VCV002760460.3), dbSNP rs2526548720, ClinGen allele CA2697554763.